The following is an entry in ClinVar:

NM_000937.5(POLR2A):c.2673C>T (p.Tyr891=)

Genes: POLR2A (RNA polymerase II subunit A; plus strand), LOC126862481 (BRD4-independent group 4 enhancer GRCh37_chr17:7405086-7406285; plus strand). Cytogenetic location: 17p13.1.
Variant type: single nucleotide variant.
Coding change: c.2673C>T on transcript NM_000937.5 (MANE Select); coding-DNA position 2673, C replaced by T.
Protein change: p.Tyr891=; no amino-acid change (tyrosine 891 retained).
Molecular consequence: synonymous variant.
Genome position (GRCh38, 1-based): chr17:7,502,618, C>T. VCF-style: chr17-7502618-C-T. GRCh37 (hg19) VCF-style: chr17-7405937-C-T.
Identifiers: ClinVar variation 3056621 (VCV003056621.2), dbSNP rs2071504, ClinGen allele CA8349754.

ClinVar aggregate classification (germline): Benign (0 of 4 stars; one submission).

Conditions:
POLR2A-related disorder. Also called: POLR2A-related condition.

Allele frequency attached by ClinVar (database versions not stated): ESP Exome Variant Server 0.14240; TOPMed 0.15419; gnomAD exomes 0.15713; gnomAD 0.16613; 1000 Genomes Project 30x 0.17364; 1000 Genomes Project 0.17712; ExAC 0.17979.

Submission:

PreventionGenetics, part of Exact Sciences
Classification: Benign for POLR2A-related condition. Last evaluated: 2019-11-06. Review status: no assertion criteria provided. Collection method: clinical testing. Allele origin: germline.
Comment: This variant is classified as benign based on ACMG/AMP sequence variant interpretation guidelines (Richards et al. 2015 PMID: 25741868, with internal and published modifications).